The following is an entry in ClinVar:

ClinVar aggregate classification (germline): Likely benign. Review status: criteria provided, multiple submitters, no conflicts (2 of 4 stars). 3 submissions from 3 submitters: Likely benign (3). Last evaluated 2025-12-16.

Conditions:
MYO7A-related disorder. Also called: MYO7A-related disorders.

Allele frequency attached by ClinVar (database versions not stated): gnomAD exomes 0.00001 and 0.00006; ExAC 0.00007; ESP Exome Variant Server 0.00008; TOPMed 0.00028; gnomAD 0.00031 and 0.00032.

Submissions (3):

Labcorp Genetics (formerly Invitae), Labcorp
Classification: Likely benign. Last evaluated: 2025-12-16. Review status: criteria provided, single submitter. Criteria: Invitae Variant Classification Sherloc (09022015). Collection method: clinical testing. Allele origin: germline.

PreventionGenetics, part of Exact Sciences
Classification: Likely benign for MYO7A-related condition. Last evaluated: 2025-06-26. Review status: criteria provided, single submitter. Criteria: ACMG Guidelines, 2015. Collection method: clinical testing. Allele origin: germline.
Comment: This variant is classified as likely benign based on ACMG/AMP sequence variant interpretation guidelines (Richards et al. 2015 PMID: 25741868, with internal and published modifications).

Blueprint Genetics
Classification: Likely benign. Last evaluated: 2022-11-28. Review status: criteria provided, single submitter. Criteria: ACMG Guidelines, 2015. Collection method: clinical testing. Allele origin: germline.

NM_000260.4(MYO7A):c.513C>A (p.Ile171=)

Gene: MYO7A (myosin VIIA; plus strand). Cytogenetic location: 11q13.5.
Variant type: single nucleotide variant.
Coding change: c.513C>A on transcript NM_000260.4 (MANE Select); coding-DNA position 513, C replaced by A.
Protein change: p.Ile171=; no amino-acid change (isoleucine 171 retained).
Molecular consequence: synonymous variant.
Genome position (GRCh38, 1-based): chr11:77,156,702, C>A. VCF-style: chr11-77156702-C-A. GRCh37 (hg19) VCF-style: chr11-76867748-C-A.
Other names: c.513C>A, p.Ile171= (NM_001127180.2); c.480C>A, p.Ile160= (NM_001369365.1).
Identifiers: ClinVar variation 763091 (VCV000763091.12), dbSNP rs375366269, ClinGen allele CA6197160.